The following is an entry in ClinVar:

ClinVar aggregate classification (germline): Uncertain significance (1 of 4 stars; one submission).

Conditions:
Brugada syndrome 8 (BRGDA8). Identifiers: Orphanet 130, MedGen C2751083, MONDO:0013148, OMIM 613123.

gnomAD v4.1: 5 of 1,572,186 alleles (0.00032%); highest among the groups gnomAD compares: African/African-American, 0.0027%; no homozygotes.

Submission:

Labcorp Genetics (formerly Invitae), Labcorp
Classification: Uncertain significance for Brugada syndrome 8. Last evaluated: 2022-08-09. Review status: criteria provided, single submitter. Criteria: Invitae Variant Classification Sherloc (09022015). Collection method: clinical testing. Allele origin: germline.
Comment: This sequence change replaces glycine, which is neutral and non-polar, with serine, which is neutral and polar, at codon 915 of the HCN4 protein (p.Gly915Ser). This variant is not present in population databases (gnomAD no frequency). This variant has not been reported in the literature in individuals affected with HCN4-related conditions. Advanced modeling of protein sequence and biophysical properties (such as structural, functional, and spatial information, amino acid conservation, physicochemical variation, residue mobility, and thermodynamic stability) performed at Invitae indicates that this missense variant is not expected to disrupt HCN4 protein function. In summary, the available evidence is currently insufficient to determine the role of this variant in disease. Therefore, it has been classified as a Variant of Uncertain Significance.

NM_005477.3(HCN4):c.2743G>A (p.Gly915Ser)

Gene: HCN4 (hyperpolarization activated cyclic nucleotide gated potassium channel 4; minus strand). Cytogenetic location: 15q24.1.
Variant type: single nucleotide variant.
Coding change: c.2743G>A on transcript NM_005477.3 (MANE Select); coding-DNA position 2743, G replaced by A.
Protein change: p.Gly915Ser; replaces glycine 915 with serine.
Molecular consequence: missense variant.
Genome position (GRCh38, 1-based): chr15:73,323,350, C>T on the plus strand (G>A on the coding strand, the complement: HCN4 is on the minus strand). VCF-style: chr15-73323350-C-T. GRCh37 (hg19) VCF-style: chr15-73615691-C-T.
Other names: short protein forms G915S.
Identifiers: ClinVar variation 1951816 (VCV001951816.5), dbSNP rs1370321950, ClinGen allele CA393088205.
Genomic context (GRCh38, chr15:73,323,350, plus strand): 5'-AGCGGGCGCCTGGCTGCAGCGGGGTGAGCAGGGGAGAGTCGGAGGAGGACAGGGAGCCAC[C>T]CAGCGCCTTGTGGAAGTGGCCAAACCCGGCTATGGTGGTGGCGGCTACGCCAGCTGATGG-3'
Protein context (NP_005468.1, residues 905-925): AGFGHFHKAL[Gly915Ser]GSLSSSDSPL